The following is an entry in ClinVar:

ClinVar aggregate classification (germline): Likely benign. Review status: criteria provided, multiple submitters, no conflicts (2 of 4 stars). 2 submissions from 2 submitters: Likely benign (2). Last evaluated 2018-01-13.

Conditions:
Congenital generalized lipodystrophy type 1 (CGL1). Also called: BRUNZELL SYNDROME, AGPAT2-RELATED; Berardinelli-Seip Congenital Lipodystrophy Type 1. Identifiers: Orphanet 528, Orphanet 696189, MedGen C1720862, MONDO:0012071, OMIM 608594.

Allele frequency attached by ClinVar (database versions not stated): 1000 Genomes Project 0.00220; 1000 Genomes Project 30x 0.00234; TOPMed 0.00511; gnomAD 0.00557 and 0.00572; gnomAD exomes 0.00634.
gnomAD v4.1: 2,499 of 415,916 alleles (0.6%); highest among the groups gnomAD compares: Non-Finnish European, 0.88%; 15 homozygotes.

Submissions (2):

Illumina Laboratory Services, Illumina
Classification: Likely benign for Congenital generalized lipodystrophy type 1. Last evaluated: 2018-01-13. Review status: criteria provided, single submitter. Criteria: ICSL Variant Classification Criteria 13 December 2019. Collection method: clinical testing. Allele origin: germline.
Comment: This variant was observed in the ICSL laboratory as part of a predisposition screen in an ostensibly healthy population. It had not been previously curated by ICSL or reported in the Human Gene Mutation Database (HGMD: prior to June 1st, 2018), and was therefore a candidate for classification through an automated scoring system. Utilizing variant allele frequency, disease prevalence and penetrance estimates, and inheritance mode, an automated score was calculated to assess if this variant is too frequent to cause the disease. Based on the score and internal cut-off values, a variant classified as likely benign is not then subjected to further curation. The score for this variant resulted in a classification of likely benign for this disease.

Breakthrough Genomics
Classification: Likely benign. Review status: criteria provided, single submitter. Criteria: ACMG Guidelines, 2015. Collection method: not provided. Allele origin: germline. Inheritance: Autosomal recessive inheritance. Affected: yes.

NM_006412.4(AGPAT2):c.*236C>T

Gene: AGPAT2 (1-acylglycerol-3-phosphate O-acyltransferase 2; minus strand). Cytogenetic location: 9q34.3.
Variant type: single nucleotide variant.
Coding change: c.*236C>T on transcript NM_006412.4 (MANE Select); 236 bases downstream of the stop codon, C replaced by T.
Molecular consequence: 3 prime UTR variant.
Genome position (GRCh38, 1-based): chr9:136,673,516, G>A on the plus strand (C>T on the coding strand, the complement: AGPAT2 is on the minus strand). VCF-style: chr9-136673516-G-A. GRCh37 (hg19) VCF-style: chr9-139567968-G-A.
Other names: c.*236C>T (NM_001012727.2).
Identifiers: ClinVar variation 913411 (VCV000913411.5), dbSNP rs117979028, ClinGen allele CA201623156.